The following is an entry in ClinVar:

ClinVar aggregate classification (germline): Pathogenic (1 of 4 stars; one submission).

Conditions:
Bleeding disorder, platelet-type, 21 (BDPLT21). Identifiers: MedGen C4479515, MONDO:0054577, OMIM 617443.

Submission:

ISTH-SSC Genomics in Thrombosis and Hemostasis, KU Leuven, Center for Molecular and Vascular Biology
Classification: Pathogenic for Bleeding disorder, platelet-type, 21. Review status: criteria provided, single submitter. Criteria: ACMG Guidelines, 2015. Collection method: clinical testing. Allele origin: germline. Affected: yes. Observed: 1 heterozygote.
Comment: Submitted to GoldVariant by Jose María Bastida and José Rivera; Grupo Español de Alteraciones Plaquetarias Congénitas (GEAPC)

NM_002017.5(FLI1):c.844C>T (p.Gln282Ter)

Gene: FLI1 (Fli-1 proto-oncogene, ETS transcription factor; plus strand). Cytogenetic location: 11q24.3.
Variant type: single nucleotide variant.
Coding change: c.844C>T on transcript NM_002017.5 (MANE Select); coding-DNA position 844, C replaced by T.
Protein change: p.Gln282Ter; replaces glutamine 282 with a stop codon.
Molecular consequence: nonsense.
Genome position (GRCh38, 1-based): chr11:128,810,473, C>T. VCF-style: chr11-128810473-C-T. GRCh37 (hg19) VCF-style: chr11-128680368-C-T.
Other names: c.745C>T, p.Gln249Ter (NM_001167681.3); c.646C>T, p.Gln216Ter (NM_001271010.2); c.265C>T, p.Gln89Ter (NM_001271012.2); short protein forms Q216*, Q249*, Q282*, Q89*.
Identifiers: ClinVar variation 1703851 (VCV001703851.2), dbSNP rs2497517912, ClinGen allele CA383238447.
Genomic context (GRCh38, chr11:128,810,473, plus strand): 5'-TGGGCTGAGGTGTTCTGTTCTCTCCCGTTTGCCTCACGGCGTGCAGGAAGCGGGCAGATC[C>T]AGCTGTGGCAATTCCTCCTGGAGCTGCTCTCCGACAGCGCCAACGCCAGCTGTATCACCT-3'